The following is an entry in ClinVar:

NM_001042492.3(NF1):c.2506G>T (p.Glu836Ter)

Gene: NF1 (neurofibromin 1; plus strand). Cytogenetic location: 17q11.2.
Variant type: single nucleotide variant.
Coding change: c.2506G>T on transcript NM_001042492.3 (MANE Select); coding-DNA position 2506, G replaced by T.
Protein change: p.Glu836Ter; replaces glutamic acid 836 with a stop codon.
Molecular consequence: nonsense.
Genome position (GRCh38, 1-based): chr17:31,229,121, G>T. VCF-style: chr17-31229121-G-T. GRCh37 (hg19) VCF-style: chr17-29556139-G-T.
Other names: c.2506G>T, p.Glu836Ter (NM_000267.4); short protein forms E836*.
Identifiers: ClinVar variation 931332 (VCV000931332.11), dbSNP rs2067066435, ClinGen allele CA398984117.

ClinVar aggregate classification (germline): Pathogenic. Review status: criteria provided, multiple submitters, no conflicts (2 of 4 stars). 4 submissions from 4 submitters: Pathogenic (4). Last evaluated 2025-12-20.

Conditions:
Neurofibromatosis, type 1 (NF1). Also called: VON RECKLINGHAUSEN DISEASE; Peripheral type neurofibromatosis; Neurofibromatosis, type I; NEUROFIBROMATOSIS, TYPE I, SOMATIC. Identifiers: Orphanet 636, MedGen C0027831, MONDO:0018975, OMIM 162200. Disease mechanism: loss of function.

Submissions (4):

Labcorp Genetics (formerly Invitae), Labcorp
Classification: Pathogenic for Neurofibromatosis, type 1. Last evaluated: 2025-12-20. Review status: criteria provided, single submitter. Criteria: Invitae Variant Classification Sherloc (09022015). Collection method: clinical testing. Allele origin: germline.
Comment: This sequence change creates a premature translational stop signal (p.Glu836*) in the NF1 gene. It is expected to result in an absent or disrupted protein product. Loss-of-function variants in NF1 are known to be pathogenic (PMID: 10712197, 23913538). This variant is not present in population databases (gnomAD no frequency). This premature translational stop signal has been observed in individual(s) with clinical features of NF1-related conditions (PMID: 21520333). ClinVar contains an entry for this variant (Variation ID: 931332). For these reasons, this variant has been classified as Pathogenic.

Laboratorio de Genetica e Diagnostico Molecular, Hospital Israelita Albert Einstein
Classification: Pathogenic for Neurofibromatosis, type 1. Last evaluated: 2022-06-04. Review status: criteria provided, single submitter. Criteria: ACMG Guidelines, 2015. Collection method: clinical testing. Allele origin: germline. Affected: yes. Observed: 1 variant allele.
Comment: ACMG classification criteria: PVS1 very strong, PS4 supporting, PM2 moderated

Genome-Nilou Lab
Classification: Pathogenic for Neurofibromatosis, type 1. Last evaluated: 2022-03-15. Review status: criteria provided, single submitter. Criteria: ACMG Guidelines, 2015. Collection method: clinical testing. Allele origin: germline. Affected: no.

Centre for Mendelian Genomics, University Medical Centre Ljubljana
Classification: Pathogenic for Neurofibromatosis, type 1. Last evaluated: 2020-03-17. Review status: criteria provided, single submitter. Criteria: ACMG Guidelines, 2015. Collection method: clinical testing. Allele origin: unknown. Affected: yes.
Comment: This variant was classified as: Pathogenic. The following ACMG criteria were applied in classifying this variant: PVS1,PM2,PP4.

Literature cited by the submitters: PubMed 10712197 (cited by Labcorp Genetics (formerly Invitae), Labcorp); PubMed 23913538 (cited by Labcorp Genetics (formerly Invitae), Labcorp); PubMed 21520333 (cited by Labcorp Genetics (formerly Invitae), Labcorp).